The following is an entry in ClinVar:

ClinVar aggregate classification (germline): Uncertain significance (1 of 4 stars; one submission).

Allele frequency attached by ClinVar (database versions not stated): gnomAD exomes below 0.00001 and 0.00002; TOPMed below 0.00001; gnomAD 0.00001.
gnomAD v4.1: 21 of 1,429,624 alleles (0.0015%); highest among the groups gnomAD compares: Middle Eastern, 0.37%; no homozygotes.

Submission:

Labcorp Genetics (formerly Invitae), Labcorp
Classification: Uncertain significance. Last evaluated: 2022-11-01. Review status: criteria provided, single submitter. Criteria: Invitae Variant Classification Sherloc (09022015). Collection method: clinical testing. Allele origin: germline.
Comment: This sequence change replaces asparagine, which is neutral and polar, with aspartic acid, which is acidic and polar, at codon 300 of the SI protein (p.Asn300Asp). This variant is present in population databases (no rsID available, gnomAD 0.0009%). This variant has not been reported in the literature in individuals affected with SI-related conditions. ClinVar contains an entry for this variant (Variation ID: 1522118). Advanced modeling of protein sequence and biophysical properties (such as structural, functional, and spatial information, amino acid conservation, physicochemical variation, residue mobility, and thermodynamic stability) has been performed at Invitae for this missense variant, however the output from this modeling did not meet the statistical confidence thresholds required to predict the impact of this variant on SI protein function. In summary, the available evidence is currently insufficient to determine the role of this variant in disease. Therefore, it has been classified as a Variant of Uncertain Significance.

NM_001041.4(SI):c.898A>G (p.Asn300Asp)

Gene: SI (sucrase-isomaltase; minus strand). Cytogenetic location: 3q26.1.
Variant type: single nucleotide variant.
Coding change: c.898A>G on transcript NM_001041.4 (MANE Select); coding-DNA position 898, A replaced by G.
Protein change: p.Asn300Asp; replaces asparagine 300 with aspartic acid.
Molecular consequence: missense variant.
Genome position (GRCh38, 1-based): chr3:165,063,451, T>C on the plus strand (A>G on the coding strand, the complement: SI is on the minus strand). VCF-style: chr3-165063451-T-C. GRCh37 (hg19) VCF-style: chr3-164781239-T-C.
Other names: short protein forms N300D.
Identifiers: ClinVar variation 1522118 (VCV001522118.5), dbSNP rs907062698, ClinGen allele CA86494424.